The following is an entry in ClinVar:

ClinVar aggregate classification (germline): Uncertain significance (1 of 4 stars; one submission).

Submission:

CeGaT Center for Human Genetics Tuebingen
Classification: Uncertain significance. Last evaluated: 2024-11-01. Review status: criteria provided, single submitter. Criteria: CeGaT Center For Human Genetics Tuebingen Variant Classification Criteria Version 2. Collection method: clinical testing. Allele origin: germline. Affected: yes. Observed: 1 variant allele.
Comment: KCNQ1OT1: PM2

NM_000218.3(KCNQ1):c.1394-29606C>T

Genes: KCNQ1 (potassium voltage-gated channel subfamily Q member 1; plus strand), KCNQ1OT1 (KCNQ1 opposite strand/antisense transcript 1; minus strand). Cytogenetic location: 11p15.5.
Variant type: single nucleotide variant.
Coding change: c.1394-29606C>T on transcript NM_000218.3 (MANE Select); 29606 bases into the intron before coding-DNA position 1394, C replaced by T.
Molecular consequence: intron variant. On other transcripts: non-coding transcript variant (1).
Genome position (GRCh38, 1-based): chr11:2,632,355, C>T. VCF-style: chr11-2632355-C-T. GRCh37 (hg19) VCF-style: chr11-2653585-C-T.
Other names: c.1124-29606C>T (NM_001406837.1); c.1298-29606C>T (NM_001406836.1); c.854-29606C>T (NM_001406838.1); c.1013-29606C>T (NM_181798.2).
Identifiers: ClinVar variation 3389510 (VCV003389510.14).